The following is an entry in ClinVar:

NM_130837.3(OPA1):c.2179-1G>C

Gene: OPA1 (OPA1 mitochondrial dynamin like GTPase; plus strand). Cytogenetic location: 3q29.
Variant type: single nucleotide variant.
Coding change: c.2179-1G>C on transcript NM_130837.3 (MANE Select); the canonical splice acceptor site of the intron before coding-DNA position 2179, G replaced by C.
Molecular consequence: splice acceptor variant.
Genome position (GRCh38, 1-based): chr3:193,657,079, G>C. VCF-style: chr3-193657079-G-C. GRCh37 (hg19) VCF-style: chr3-193374868-G-C.
Other names: c.1906-1G>C (NM_130831.3); c.1642-1G>C (NM_001354664.2); c.1645-1G>C (NM_001354663.2); c.2068-1G>C (NM_130834.3); c.2125-1G>C (NM_130836.3); c.2014-1G>C (NM_015560.3); c.2071-1G>C (NM_130835.3); c.1960-1G>C (NM_130832.3); and 1 more.
Identifiers: ClinVar variation 2029327 (VCV002029327.4), dbSNP rs2109163061, ClinGen allele CA355791349.
Genomic context (GRCh38, chr3:193,657,079, plus strand): 5'-TCATGTTAACCATTGAAGTATGTAGTAATAATATGGCTTTTTTTCTTTCAAATAATTATA[G>C]GTTGCTTGGGAGACCCTACAAGAAGAATTTTCCCGCTTTATGACAGAACCGAAAGGGAAA-3'

ClinVar aggregate classification (germline): Pathogenic (1 of 4 stars; one submission).

Submission:

Labcorp Genetics (formerly Invitae), Labcorp
Classification: Pathogenic. Last evaluated: 2022-08-13. Review status: criteria provided, single submitter. Criteria: Invitae Variant Classification Sherloc (09022015). Collection method: clinical testing. Allele origin: germline.
Comment: Algorithms developed to predict the effect of sequence changes on RNA splicing suggest that this variant may disrupt the consensus splice site. For these reasons, this variant has been classified as Pathogenic. Disruption of this splice site has been observed in individuals with autosomal dominant optic atrophy (PMID: 16323009, 33841295). This variant is not present in population databases (gnomAD no frequency). This sequence change affects an acceptor splice site in intron 20 of the OPA1 gene. It is expected to disrupt RNA splicing. Variants that disrupt the donor or acceptor splice site typically lead to a loss of protein function (PMID: 16199547), and loss-of-function variants in OPA1 are known to be pathogenic (PMID: 11440988, 20157015, 20952381, 25012220).

Literature cited by the submitters: PubMed 16323009; PubMed 33841295; PubMed 16199547; PubMed 11440988; PubMed 20157015; PubMed 20952381; PubMed 25012220.